The following is an entry in ClinVar:

ClinVar aggregate classification (germline): Likely pathogenic. Review status: criteria provided, multiple submitters, no conflicts (2 of 4 stars). 2 submissions from 2 submitters: Likely pathogenic (2). Last evaluated 2024-12-19.

Conditions:
Hawkinsinuria. Identifiers: Orphanet 2118, MedGen C2931042, MONDO:0007700, OMIM 140350, HP:0034457.
Tyrosinemia type III. Also called: Tyrosinemia type 3; 4-alpha hydroxyphenylpyruvic acid oxidase deficiency; 4-alpha hydroxyphenylpyruvate dioxygenase deficiency; 4-Hydroxyphenylpyruvate dioxygenase deficiency; 4-HYDROXYPHENYLPYRUVIC ACID OXIDASE DEFICIENCY. Identifiers: Orphanet 69723, MedGen C0268623, MONDO:0010162, OMIM 276710.

Submissions (2):

Genomic Medicine Center of Excellence, King Faisal Specialist Hospital and Research Centre
Classification: Likely pathogenic for Hawkinsinuria. Last evaluated: 2024-12-19. Review status: criteria provided, single submitter. Criteria: ACMG Guidelines, 2015. Collection method: clinical testing. Allele origin: germline.

Labcorp Genetics (formerly Invitae), Labcorp
Classification: Likely pathogenic for Tyrosinemia type III; Hawkinsinuria. Last evaluated: 2024-02-04. Review status: criteria provided, single submitter. Criteria: Invitae Variant Classification Sherloc (09022015). Collection method: clinical testing. Allele origin: germline.
Comment: This sequence change affects a donor splice site in intron 3 of the HPD gene. It is expected to disrupt RNA splicing. Variants that disrupt the donor or acceptor splice site typically lead to a loss of protein function (PMID: 16199547), and loss-of-function variants in HPD are known to be pathogenic (PMID: 10942115, 23036342). This variant is not present in population databases (gnomAD no frequency). This variant has not been reported in the literature in individuals affected with HPD-related conditions. Algorithms developed to predict the effect of sequence changes on RNA splicing suggest that this variant may disrupt the consensus splice site. In summary, the currently available evidence indicates that the variant is pathogenic, but additional data are needed to prove that conclusively. Therefore, this variant has been classified as Likely Pathogenic.

Literature cited by the submitters: PubMed 16199547 (cited by Labcorp Genetics (formerly Invitae), Labcorp); PubMed 10942115 (cited by Labcorp Genetics (formerly Invitae), Labcorp); PubMed 23036342 (cited by Labcorp Genetics (formerly Invitae), Labcorp).

NM_002150.3(HPD):c.93+1G>A

Genes: HPD (4-hydroxyphenylpyruvate dioxygenase; minus strand), TIALD (transcript inducer of AURKA lysosomal degradation; plus strand). Cytogenetic location: 12q24.31.
Variant type: single nucleotide variant.
Coding change: c.93+1G>A on transcript NM_002150.3 (MANE Select); the canonical splice donor site of the intron after coding-DNA position 93, G replaced by A.
Molecular consequence: splice donor variant.
Genome position (GRCh38, 1-based): chr12:121,857,756, C>T on the plus strand (G>A on the coding strand, the complement: HPD is on the minus strand). VCF-style: chr12-121857756-C-T. GRCh37 (hg19) VCF-style: chr12-122295662-C-T.
Other names: c.-25+1G>A (NM_001171993.2).
Identifiers: ClinVar variation 3393060 (VCV003393060.3).